The following is an entry in ClinVar:

ClinVar aggregate classification (germline): Pathogenic/Likely pathogenic. Review status: criteria provided, multiple submitters, no conflicts (2 of 4 stars). 22 submissions from 22 submitters: Pathogenic (16); Likely pathogenic (3). 3 of the submissions do not count toward it. Last evaluated 2026-04-29.

Conditions:
SLC7A9-related disorder. Also called: SLC7A9-related condition.
Cystinuria (CSNU). Also called: Cystinuria, non-type I; CYSTINURIA, TYPE I; CYSTINURIA, TYPE II; CYSTINURIA, TYPE III. Identifiers: Orphanet 214, MedGen C0010691, MONDO:0009067, OMIM 220100, HP:0003131.

Allele frequency attached by ClinVar (database versions not stated): TOPMed 0.00020; 1000 Genomes Project 0.00060; gnomAD exomes 0.00027 and 0.00053; ExAC 0.00025; gnomAD 0.00017 and 0.00018; 1000 Genomes Project 30x 0.00047.
gnomAD v4.1: 795 of 1,614,134 alleles (0.049%); highest among the groups gnomAD compares: Middle Eastern, 0.066%; 3 homozygotes.

Submissions 1 to 16 of 22:

Service of Pediatric Gastrohepatology and Metabolic Diseases, University of Medicine of Tirana
Classification: Likely pathogenic for Cystinuria. Last evaluated: 2026-04-29. Review status: criteria provided, single submitter. Criteria: ACMG Guidelines, 2015. Collection method: clinical testing. Allele origin: germline. Inheritance: Autosomal dominant inheritance. Affected: yes. Observed: 1 variant allele.
Comment: SLC7A9 c.313G>A was classified as Likely pathogenic using ACMG/AMP 2015 criteria (PMID:25741868). Evidence considered includes PM2 for rarity/absence in population databases when reviewed, PP3 for deleterious computational prediction, and PP4 for concordance with SLC7A9-related cystinuria (OMIM:220100).

Labcorp Genetics (formerly Invitae), Labcorp
Classification: Pathogenic. Last evaluated: 2025-11-17. Review status: criteria provided, single submitter. Criteria: Invitae Variant Classification Sherloc (09022015). Collection method: clinical testing. Allele origin: germline.
Comment: This sequence change replaces glycine, which is neutral and non-polar, with arginine, which is basic and polar, at codon 105 of the SLC7A9 protein (p.Gly105Arg). This variant is present in population databases (rs121908480, gnomAD 0.06%). This missense change has been observed in individuals with cystinuria (PMID: 10471498, 12036192, 16138908, 16225397, 16834950, 16838140, 19782624, 21677404, 23532419, 25296721, 28717662). It has also been observed to segregate with disease in related individuals. ClinVar contains an entry for this variant (Variation ID: 5781). Invitae Evidence Modeling of protein sequence and biophysical properties (such as structural, functional, and spatial information, amino acid conservation, physicochemical variation, residue mobility, and thermodynamic stability) indicates that this missense variant is not expected to disrupt SLC7A9 protein function with a negative predictive value of 80%. Experimental studies have shown that this missense change affects SLC7A9 function (PMID: 11157794). For these reasons, this variant has been classified as Pathogenic.

Rare Kidney Stone Consortium and the Mayo Clinic Hyperoxaluria Center, Mayo Clinic
Classification: Pathogenic for Cystinuria. Last evaluated: 2025-10-03. Review status: criteria provided, single submitter. Criteria: ACMG Guidelines, 2015. Collection method: research. Allele origin: germline. Affected: yes. Observed: 6 variant alleles.

Genomic Medicine Center of Excellence, King Faisal Specialist Hospital and Research Centre
Classification: Pathogenic for Cystinuria. Last evaluated: 2025-09-10. Review status: criteria provided, single submitter. Criteria: ACMG Guidelines, 2015. Collection method: clinical testing. Allele origin: germline.

Laboratory of Genetics, Children's Clinical University Hospital Latvia
Classification: Pathogenic. Last evaluated: 2025-02-16. Review status: criteria provided, single submitter. Criteria: ACMG Guidelines, 2015. Collection method: clinical testing. Allele origin: germline. Affected: yes.

Blueprint Genetics
Classification: Pathogenic for SLC7A9-related disorders. Last evaluated: 2024-11-18. Review status: criteria provided, single submitter. Criteria: ACMG Guidelines, 2015. Collection method: clinical testing. Allele origin: germline. Affected: yes. Observed: 5 variant alleles.

Fulgent Genetics
Classification: Pathogenic for Cystinuria. Last evaluated: 2024-04-01. Review status: criteria provided, single submitter. Criteria: ACMG Guidelines, 2015. Collection method: clinical testing. Allele origin: germline.

Mayo Clinic Laboratories, Mayo Clinic
Classification: Pathogenic. Last evaluated: 2024-01-02. Review status: criteria provided, single submitter. Criteria: ACMG Guidelines, 2015. Collection method: clinical testing. Allele origin: germline.
Comment: PP3, PM3, PS3, PS4

Department of Human Genetics, Hannover Medical School
Classification: Pathogenic for Cystinuria. Last evaluated: 2023-02-17. Review status: criteria provided, single submitter. Criteria: ACMG Guidelines, 2015. Collection method: clinical testing. Allele origin: germline. Inheritance: Autosomal dominant inheritance. Affected: yes.

CeGaT Center for Human Genetics Tuebingen
Classification: Likely pathogenic. Last evaluated: 2022-12-01. Review status: criteria provided, single submitter. Criteria: CeGaT Center For Human Genetics Tuebingen Variant Classification Criteria Version 2. Collection method: clinical testing. Allele origin: germline. Affected: yes. Observed: 1 variant allele.
Comment: SLC7A9: PM5, PS4:Moderate, PP1, PP3, PP4, PS3:Supporting

Revvity Omics, Revvity
Classification: Pathogenic for Cystinuria. Last evaluated: 2022-11-28. Review status: criteria provided, single submitter. Criteria: ACMG Guidelines, 2015. Collection method: clinical testing. Allele origin: germline.

HudsonAlpha Institute for Biotechnology
Classification: Pathogenic for Cystinuria. Last evaluated: 2022-09-26. Review status: criteria provided, single submitter. Criteria: ACMG Guidelines, 2015. Collection method: research. Allele origin: unknown. Observed: 1 variant allele. Study: HudsonAlpha-COAGS.
Comment: PS3, PS4 (for AD) or PM3_VeryStrong (for AR), PP3

Dasa
Classification: Likely pathogenic for Cystinuria. Last evaluated: 2022-02-05. Review status: criteria provided, single submitter. Criteria: ACMG Guidelines, 2015. Collection method: clinical testing. Allele origin: germline. Affected: yes. Observed: 1 variant allele.
Comment: The c.313G>A;p.(Gly105Arg) missense variant has been observed in affected individual(s) and ClinVar contains an entry for this variant (ClinVar ID: 5781; PMID: 10471498; 21677404; 28717662; 25296721; 16138908; 16838140; 19782624; 23532419; 16225397; 12036192) - PS4. The variant is present at low allele frequencies population databases (rs121908480 – gnomAD 0.001906%; ABraOM 0.000427 frequency) - PM2_supporting. The variant co-segregated with disease in multiple affected family members (PMID: 16834950) - PP1. Multiple lines of computational evidence support a deleterious effect on the gene or gene product - PP3. In summary, the currently available evidence indicates that the variant is likely pathogenic.

GeneDx
Classification: Pathogenic. Last evaluated: 2021-11-05. Review status: criteria provided, single submitter. Criteria: GeneDx Variant Classification Process June 2021. Collection method: clinical testing. Allele origin: germline. Affected: yes.
Comment: Reported as a single heterozygous variant in individuals with cystinuria (Font et al., 2001; Halbritter et al., 2015; Gaildrat et al., 2017); Published functional studies demonstrate a damaging effect due to almost completely abolishing the amino acid transport activity of the protein, retaining only approximately 10% of wild-type transport activity (Font et al., 2001); In silico analysis supports that this missense variant has a deleterious effect on protein structure/function; This variant is associated with the following publications: (PMID: 10471498, 11157794, 25296721, 28717662, 31589614, 33262960, 28812535, 30069816, 21677404, 26990548, 33226606)

Victorian Clinical Genetics Services, Murdoch Childrens Research Institute
Classification: Pathogenic for Cystinuria. Last evaluated: 2020-05-26. Review status: criteria provided, single submitter. Criteria: ACMG Guidelines, 2015. Collection method: clinical testing. Allele origin: germline.
Comment: Based on the classification scheme VCGS_Germline_v1.1.1, this variant is classified as Pathogenic. Following criteria are met: 0102 - Loss-of-function is a known mechanism of disease for this gene. (N) 0108 - This gene is known to be associated with both recessive and dominant disease. Heterozygotes have been reported to present with a milder phenotype (OMIM, PMID: 11157794). (N) 0200 - Variant is predicted to result in a missense amino acid change from glycine to arginine (exon 4). (N) 0251 - Variant is heterozygous. (N) 0304 - Variant is present in gnomAD <0.01 for a recessive condition (73 heterozygotes, 1 homozygote). (P) 0309 - An alternative amino acid change at the same position has been observed in gnomAD (1 heterozygote, 0 homozygotes). (N) 0501 - Missense variant consistently predicted to be damaging by multiple in silico tools or highly conserved with a major amino acid change. (P) 0604 - Variant is not located in an established domain, motif, hotspot or informative constraint region. (N) 0801 - Strong previous evidence of pathogenicity in unrelated individuals. More than 10 patients with Cystinuria have been reported with this variant (ClinVar, PMID: 28646536). (P) 1002 - Moderate functional evidence supporting abnormal protein function. In vitro assays demonstrated reduced cysteine transport (PMID: 11157794 ). (P) 1208 - Inheritance information for this variant is not currently available. (N) Legend: (P) - Pathogenic, (N) - Neutral, (B) - Benign

Institute of Human Genetics, University of Leipzig Medical Center
Classification: Pathogenic for Cystinuria. Last evaluated: 2017-12-13. Review status: criteria provided, single submitter. Criteria: ACMG Guidelines, 2015. Collection method: clinical testing. Allele origin: germline. Affected: yes. Observed: 1 variant allele.

NM_014270.5(SLC7A9):c.313G>A (p.Gly105Arg)

Gene: SLC7A9 (solute carrier family 7 member 9; minus strand). Cytogenetic location: 19q13.11.
Variant type: single nucleotide variant.
Coding change: c.313G>A on transcript NM_014270.5 (MANE Select); coding-DNA position 313, G replaced by A.
Protein change: p.Gly105Arg; replaces glycine 105 with arginine.
Molecular consequence: missense variant.
Genome position (GRCh38, 1-based): chr19:32,864,261, C>T on the plus strand (G>A on the coding strand, the complement: SLC7A9 is on the minus strand). VCF-style: chr19-32864261-C-T. GRCh37 (hg19) VCF-style: chr19-33355167-C-T.
Other names: c.313G>A, p.Gly105Arg (NM_001126335.2, NM_001243036.2); short protein forms G105R.
Identifiers: ClinVar variation 5781 (VCV000005781.68), dbSNP rs121908480, ClinGen allele CA117723.